The following is an entry in ClinVar:

ClinVar aggregate classification (germline): Likely benign (1 of 4 stars; one submission).

Submission:

CeGaT Center for Human Genetics Tuebingen
Classification: Likely benign. Last evaluated: 2026-07-01. Review status: criteria provided, single submitter. Criteria: CeGaT Center For Human Genetics Tuebingen Variant Classification Criteria Version 2. Collection method: clinical testing. Allele origin: germline. Affected: yes. Observed: 1 variant allele.
Comment: GNAQ: BP4, BP7

NM_002072.5(GNAQ):c.105C>T (p.Asp35=)

Gene: GNAQ (G protein subunit alpha q; minus strand). Cytogenetic location: 9q21.2.
Variant type: single nucleotide variant.
Coding change: c.105C>T on transcript NM_002072.5 (MANE Select); coding-DNA position 105, C replaced by T.
Protein change: p.Asp35=; no amino-acid change (aspartic acid 35 retained).
Molecular consequence: synonymous variant.
Genome position (GRCh38, 1-based): chr9:78,031,131, G>A on the plus strand (C>T on the coding strand, the complement: GNAQ is on the minus strand). VCF-style: chr9-78031131-G-A. GRCh37 (hg19) VCF-style: chr9-80646047-G-A.
Identifiers: ClinVar variation 5038743 (VCV005038743.1).